The following is an entry in ClinVar:

ClinVar aggregate classification (germline): Pathogenic. Review status: criteria provided, multiple submitters, no conflicts (2 of 4 stars). 2 submissions from 2 submitters: Pathogenic (2). Last evaluated 2021-11-03.

Submissions (2):

Institute for Clinical Genetics, University Hospital TU Dresden, University Hospital TU Dresden
Classification: Pathogenic. Last evaluated: 2021-11-03. Review status: criteria provided, single submitter. Criteria: ACMG Guidelines, 2015. Collection method: clinical testing. Allele origin: germline.

GeneKor MSA
Classification: Pathogenic. Last evaluated: 2020-01-01. Review status: criteria provided, single submitter. Criteria: ACMG Guidelines, 2015. Collection method: clinical testing. Allele origin: germline.
Comment: This sequence change deletes four nucleotides in exon 10 of BRCA1 mRNA (c.1292_1295delTACT), causing a frameshift at codon 431 and the creation of a premature translation stop signal 9 amino acid residues later. This is expected to result in an absent or disrupted protein product. Truncating variants in BRCA1 are known to be pathogenic. The mutation database ClinVar contains entries for this variant (Variation ID: 495089).

NM_007294.4(BRCA1):c.1292_1295del (p.Leu431fs)

Gene: BRCA1 (BRCA1 DNA repair associated; minus strand). Cytogenetic location: 17q21.31.
Variant type: Deletion.
Coding change: c.1292_1295del on transcript NM_007294.4 (MANE Select); coding-DNA positions 1292 to 1295, 4 bases deleted (TACT; older notation c.1292_1295delTACT).
Protein change: p.Leu431fs; shifts the reading frame from leucine 431.
Molecular consequence: frameshift variant. On other transcripts: intron variant (137).
Genome position (GRCh38, 1-based): chr17:43,094,236-43,094,239, AGTA deleted on the plus strand (TACT on the coding strand, the reverse complement: BRCA1 is on the minus strand); deleting any 4 consecutive bases within chr17:43,094,236-43,094,242 gives the same sequence; the c. name uses the placement nearest the transcript's 3' end. VCF-style (leftmost placement, unchanged base first): chr17-43094235-CAGTA-C. GRCh37 (hg19) VCF-style: chr17-41246252-CAGTA-C.
Other names: c.1169_1172del, p.Leu390fs (NM_001407677.1, NM_001407678.1, NM_001407679.1 and 19 more transcripts); c.1292_1295del, p.Leu431fs (NM_001407684.1, NM_001407854.1, NM_001407858.1 and 30 more transcripts); c.1166_1169del, p.Leu389fs (NM_001407685.1, NM_001407686.1, NM_001407687.1 and 11 more transcripts); c.1151_1154del, p.Leu384fs (NM_001407692.1, NM_001407694.1, NM_001407695.1 and 29 more transcripts); c.1148_1151del, p.Leu383fs (NM_001407740.1, NM_001407741.1, NM_001407742.1 and 20 more transcripts); c.1079_1082del, p.Leu360fs (NM_001407853.1, NM_001407894.1, NM_001407895.1 and 9 more transcripts); c.1289_1292del, p.Leu430fs (NM_001407860.1, NM_001407861.1, NM_001407587.1 and 22 more transcripts); c.1091_1094del, p.Leu364fs (NM_001407862.1); and 42 more; short protein forms L384fs, L431fs, L319fs, L389fs, L390fs, L430fs, L135fs, L303fs.
Identifiers: ClinVar variation 495089 (VCV000495089.6), dbSNP rs1555591984, ClinGen allele CA658684119.